The following is an entry in ClinVar:

NM_001035.3(RYR2):c.5355_5356delinsAG (p.Asp1785_Ile1786delinsGluVal)

Gene: RYR2 (ryanodine receptor 2; plus strand). Cytogenetic location: 1q43.
Variant type: Indel.
Coding change: c.5355_5356delinsAG on transcript NM_001035.3 (MANE Select); coding-DNA positions 5355 to 5356, CA replaced by AG.
Protein change: p.Asp1785_Ile1786delinsGluVal.
Molecular consequence: missense variant.
Genome position (GRCh38, 1-based): chr1:237,614,483-237,614,484, CA replaced by AG. VCF-style: chr1-237614483-CA-AG. GRCh37 (hg19) VCF-style: chr1-237777783-CA-AG.
Identifiers: ClinVar variation 4757575 (VCV004757575.1).

ClinVar aggregate classification (germline): Uncertain significance (1 of 4 stars; one submission).

Conditions:
Cardiomyopathy (CMYO). Also called: Cardiomyopathies. Identifiers: Orphanet 167848, MedGen C0878544, MONDO:0004994, HP:0001638. Inheritance: Various modes of inheritance.

Submission:

Color Diagnostics, LLC DBA Color Health
Classification: Uncertain significance for Cardiomyopathy. Last evaluated: 2025-07-09. Review status: criteria provided, single submitter. Criteria: ACMG Guidelines, 2015. Collection method: clinical testing. Allele origin: germline.
Comment: This variant causes an in-frame substitution of two amino acids with two novel amino acids in the RYR2 protein (p.Asp1785_Ile1786delinsGluVal). To our knowledge, functional studies have not been reported for this variant. This variant has not been reported in individuals affected with RYR2-related disorders in the literature. This variant has not been identified in the general population by the Genome Aggregation Database (gnomAD). The available evidence is insufficient to determine the role of this variant in disease conclusively. Therefore, this variant is classified as a Variant of Uncertain Significance.